The following is an entry in ClinVar:

NM_000443.4(ABCB4):c.1296_1301del (p.Cys433_Gly434del)

Gene: ABCB4 (ATP binding cassette subfamily B member 4; minus strand). Cytogenetic location: 7q21.12.
Variant type: Deletion.
Coding change: c.1296_1301del on transcript NM_000443.4 (MANE Select); coding-DNA positions 1296 to 1301, 6 bases deleted (CTGTGG; older notation c.1296_1301delCTGTGG).
Protein change: p.Cys433_Gly434del.
Molecular consequence: inframe deletion.
Genome position (GRCh38, 1-based): chr7:87,443,374-87,443,379, CCACAG deleted on the plus strand (CTGTGG on the coding strand, the reverse complement: ABCB4 is on the minus strand); deleting any 6 consecutive bases within chr7:87,443,374-87,443,383 gives the same sequence; the c. name uses the placement nearest the transcript's 3' end. VCF-style (leftmost placement, unchanged base first): chr7-87443373-CCCACAG-C. GRCh37 (hg19) VCF-style: chr7-87072689-CCCACAG-C.
Other names: c.1296_1301del, p.Cys433_Gly434del (NM_018849.3, NM_018850.3).
Identifiers: ClinVar variation 2841174 (VCV002841174.4), dbSNP rs2546837277, ClinGen allele CA2739266523.

ClinVar aggregate classification (germline): Uncertain significance. Review status: criteria provided, multiple submitters, no conflicts (2 of 4 stars). 2 submissions from 2 submitters: Uncertain significance (2). Last evaluated 2026-04-14.

Conditions:
Low phospholipid associated cholelithiasis (GBD1). Also called: Gallstone cholecystitis; Gallbladder disease 1. Identifiers: Orphanet 69663, MedGen C2609268, MONDO:0010939, OMIM 600803.
Familial intrahepatic cholestasis. Identifiers: Orphanet 284385, MedGen CN296401, MONDO:0017290.

Submissions (2):

Genomenon, Inc
Classification: Uncertain significance for Familial intrahepatic cholestasis; Low phospholipid associated cholelithiasis. Last evaluated: 2026-04-14. Review status: criteria provided, single submitter. Criteria: Genomenon Sequence Variant Interpretation Standards - Updated. Collection method: curation. Allele origin: germline. Affected: yes.
Comment: ABCB4 p.Cys433_Gly434del (c.1296_1301del) is an in-frame deletion variant that results in the deletion of two amino acids, Cysteine at position 433 and Glycine at position 434. This variant has been observed in at least one proband with an ABCB4-related disorder (PMID:37701337;36277956). It is absent or not present at a significant frequency in gnomAD. In conclusion, we classify ABCB4 p.Cys433_Gly434del (c.1296_1301del) as a variant of uncertain significance.

Labcorp Genetics (formerly Invitae), Labcorp
Classification: Uncertain significance. Last evaluated: 2023-02-26. Review status: criteria provided, single submitter. Criteria: Invitae Variant Classification Sherloc (09022015). Collection method: clinical testing. Allele origin: germline.
Comment: In summary, the available evidence is currently insufficient to determine the role of this variant in disease. Therefore, it has been classified as a Variant of Uncertain Significance. Experimental studies and prediction algorithms are not available or were not evaluated, and the functional significance of this variant is currently unknown. This variant has not been reported in the literature in individuals affected with ABCB4-related conditions. This variant is not present in population databases (gnomAD no frequency). This variant, c.1296_1301del, results in the deletion of 2 amino acid(s) of the ABCB4 protein (p.Cys433_Gly434del), but otherwise preserves the integrity of the reading frame.

Literature cited by the submitters: PubMed 37701337 (cited by Genomenon, Inc); PubMed 36277956 (cited by Genomenon, Inc).